The following is an entry in ClinVar:

ClinVar aggregate classification (germline): Pathogenic. Review status: criteria provided, multiple submitters, no conflicts (2 of 4 stars). 6 submissions from 6 submitters: Pathogenic (5). 1 of the submissions does not count toward it. Last evaluated 2024-07-01.

Conditions:
Tuberous sclerosis syndrome (TSC). Also called: Tuberous Sclerosis Complex; Tuberous sclerosis. Identifiers: Orphanet 805, MedGen C0041341, MONDO:0001734.
Tuberous sclerosis 2 (TSC2). Identifiers: Orphanet 805, MedGen C1860707, MONDO:0013199, OMIM 613254.

Submissions (6):

CeGaT Center for Human Genetics Tuebingen
Classification: Pathogenic. Last evaluated: 2024-07-01. Review status: criteria provided, single submitter. Criteria: CeGaT Center For Human Genetics Tuebingen Variant Classification Criteria Version 2. Collection method: clinical testing. Allele origin: germline. Affected: yes. Observed: 1 variant allele.
Comment: TSC2: PVS1, PM2, PS2:Moderate, PS4:Moderate

3billion
Classification: Pathogenic for Tuberous sclerosis 2. Last evaluated: 2023-06-07. Review status: criteria provided, single submitter. Criteria: ACMG Guidelines, 2015. Collection method: clinical testing. Allele origin: germline. Affected: yes.
Comment: The variant is not observed in the gnomAD v2.1.1 dataset. Predicted Consequence/Location: Stop-gained (nonsense): predicted to result in a loss or disruption of normal protein function through nonsense-mediated decay (NMD) or protein truncation. Multiple pathogenic variants are reported downstream of the variant. The variant has been reported at least twice as pathogenic with clinical assertions and evidence for the classification (ClinVar ID: VCV000049270 /PMID: 11112665). Therefore, this variant is classified as Pathogenic according to the recommendation of ACMG/AMP guideline.

GeneDx
Classification: Pathogenic. Last evaluated: 2022-07-19. Review status: criteria provided, single submitter. Criteria: GeneDx Variant Classification Process June 2021. Collection method: clinical testing. Allele origin: germline. Affected: yes.
Comment: Nonsense variant predicted to result in protein truncation or nonsense mediated decay in a gene for which loss-of-function is a known mechanism of disease; Not observed at significant frequency in large population cohorts (gnomAD); This variant is associated with the following publications: (PMID: 28968464, 25525159, 25498131, 25782670, 15798777, 17304050, 11112665, 31927531, 10205261, Wang2020[Case Report], 35712104, 26540169, 27535533)

Genome-Nilou Lab
Classification: Pathogenic for Tuberous sclerosis 2. Last evaluated: 2021-11-07. Review status: criteria provided, single submitter. Criteria: ACMG Guidelines, 2015. Collection method: clinical testing. Allele origin: germline. Affected: no.

Labcorp Genetics (formerly Invitae), Labcorp
Classification: Pathogenic for Tuberous sclerosis 2. Last evaluated: 2021-04-28. Review status: criteria provided, single submitter. Criteria: Invitae Variant Classification Sherloc (09022015). Collection method: clinical testing. Allele origin: germline.
Comment: Loss-of-function variants in TSC2 are known to be pathogenic (PMID: 10205261, 17304050). For these reasons, this variant has been classified as Pathogenic. This sequence change creates a premature translational stop signal (p.Gln1229*) in the TSC2 gene. It is expected to result in an absent or disrupted protein product. This variant is not present in population databases (ExAC no frequency). This variant has been observed in individuals affected with tuberous sclerosis complex (PMID: 1112665, 28968464, Invitae). ClinVar contains an entry for this variant (Variation ID: 49270).

Tuberous sclerosis database (TSC2)
No classification provided. Condition: TSC. Review status: no classification provided. Criteria: Tuberous Sclerosis Database Assertion Criteria 2015. Collection method: curation. Allele origin: germline. Affected: yes. Not counted in ClinVar's aggregate classification.

Literature cited by the submitters: PubMed 11112665 (cited by 3billion); PubMed 10205261 (cited by Labcorp Genetics (formerly Invitae), Labcorp); PubMed 17304050 (cited by Labcorp Genetics (formerly Invitae), Labcorp); PubMed 1112665 (cited by Labcorp Genetics (formerly Invitae), Labcorp); PubMed 28968464 (cited by Labcorp Genetics (formerly Invitae), Labcorp).

NM_000548.5(TSC2):c.3685C>T (p.Gln1229Ter)

Gene: TSC2 (TSC complex subunit 2; plus strand). Cytogenetic location: 16p13.3.
Variant type: single nucleotide variant.
Coding change: c.3685C>T on transcript NM_000548.5 (MANE Select); coding-DNA position 3685, C replaced by T.
Protein change: p.Gln1229Ter; replaces glutamine 1229 with a stop codon.
Molecular consequence: nonsense.
Genome position (GRCh38, 1-based): chr16:2,081,669, C>T. VCF-style: chr16-2081669-C-T. GRCh37 (hg19) VCF-style: chr16-2131670-C-T.
Other names: c.3553C>T, p.Gln1185Ter (NM_001077183.3, NM_001370404.1); c.3685C>T, p.Gln1229Ter (NM_001114382.3); c.3445C>T, p.Gln1149Ter (NM_001318827.2); c.3409C>T, p.Gln1137Ter (NM_001318829.2); c.2953C>T, p.Gln985Ter (NM_001318831.2); c.3586C>T, p.Gln1196Ter (NM_001318832.2); c.3556C>T, p.Gln1186Ter (NM_001363528.2, NM_001370405.1, NM_021055.3); short protein forms Q1229*, Q1186*, Q1137*, Q1185*, Q1196*, Q985*, Q1149*.
Identifiers: ClinVar variation 49270 (VCV000049270.30), dbSNP rs45517306, ClinGen allele CA019470.